The following is an entry in ClinVar:

ClinVar aggregate classification (germline): Uncertain significance (1 of 4 stars; one submission).

Allele frequency attached by ClinVar (database versions not stated): TOPMed below 0.00001.

Submission:

Labcorp Genetics (formerly Invitae), Labcorp
Classification: Uncertain significance. Last evaluated: 2024-11-18. Review status: criteria provided, single submitter. Criteria: Invitae Variant Classification Sherloc (09022015). Collection method: clinical testing. Allele origin: germline.
Comment: This sequence change affects a donor splice site in intron 12 of the MICAL1 gene. It is expected to disrupt RNA splicing. Variants that disrupt the donor or acceptor splice site typically lead to a loss of protein function (PMID: 16199547), however the current clinical and genetic evidence is not sufficient to establish whether loss-of-function variants in MICAL1 cause disease. This variant is not present in population databases (gnomAD no frequency). This variant has not been reported in the literature in individuals affected with MICAL1-related conditions. ClinVar contains an entry for this variant (Variation ID: 2169309). Algorithms developed to predict the effect of sequence changes on RNA splicing suggest that this variant may disrupt the consensus splice site. In summary, the available evidence is currently insufficient to determine the role of this variant in disease. Therefore, it has been classified as a Variant of Uncertain Significance.

Literature cited by the submitters: PubMed 16199547.

NM_022765.4(MICAL1):c.1664+1G>C

Gene: MICAL1 (microtubule associated monooxygenase, calponin and LIM domain containing 1; minus strand). Cytogenetic location: 6q21.
Variant type: single nucleotide variant.
Coding change: c.1664+1G>C on transcript NM_022765.4 (MANE Select); the canonical splice donor site of the intron after coding-DNA position 1664, G replaced by C.
Molecular consequence: splice donor variant.
Genome position (GRCh38, 1-based): chr6:109,448,731, C>G on the plus strand (G>C on the coding strand, the complement: MICAL1 is on the minus strand). VCF-style: chr6-109448731-C-G. GRCh37 (hg19) VCF-style: chr6-109769934-C-G.
Other names: c.1721+1G>C (NM_001286613.2); c.1406+1G>C (NM_001159291.2).
Identifiers: ClinVar variation 2169309 (VCV002169309.4), dbSNP rs1775366296, ClinGen allele CA365228950.
Genomic context (GRCh38, chr6:109,448,731, plus strand): 5'-CTGGATATGCTAACTCCTACACTGAGATCATGAGAGAGAGGTGGGTCTGCCAGGGACTCA[C>G]AGCAGGCCAGGCTGCAGCCGGTACACCAGGGCACACAGAGCTAGCCCATCAGCCCAGGAG-3'